The following is an entry in ClinVar:

ClinVar aggregate classification (germline): Uncertain significance (1 of 4 stars; one submission).

Allele frequency attached by ClinVar (database versions not stated): gnomAD exomes below 0.00001; TOPMed below 0.00001.
gnomAD v4.1: 3 of 1,610,534 alleles (0.00019%); highest among the groups gnomAD compares: Non-Finnish European, 0.00025%; no homozygotes.

Submission:

GeneDx
Classification: Uncertain significance. Last evaluated: 2021-01-14. Review status: criteria provided, single submitter. Criteria: GeneDx Variant Classification Process June 2021. Collection method: clinical testing. Allele origin: germline. Affected: yes.
Comment: Not observed in large population cohorts (Lek et al., 2016); In silico analysis supports a deleterious effect on splicing; Has not been previously published as pathogenic or benign to our knowledge

NM_006846.4(SPINK5):c.410+6T>C

Gene: SPINK5 (serine peptidase inhibitor Kazal type 5; plus strand). Cytogenetic location: 5q32.
Variant type: single nucleotide variant.
Coding change: c.410+6T>C on transcript NM_006846.4 (MANE Select); 6 bases into the intron after coding-DNA position 410, T replaced by C.
Molecular consequence: intron variant.
Genome position (GRCh38, 1-based): chr5:148,086,538, T>C. VCF-style: chr5-148086538-T-C. GRCh37 (hg19) VCF-style: chr5-147466101-T-C.
Other names: c.410+6T>C (NM_001127698.2, NM_001127699.2).
Identifiers: ClinVar variation 489344 (VCV000489344.3), dbSNP rs1554103297, ClinGen allele CA658683432.